The following is an entry in ClinVar:

NM_002334.4(LRP4):c.5585C>T (p.Thr1862Met)

Genes: LRP4 (LDL receptor related protein 4; minus strand), LRP4-AS1 (LRP4 antisense RNA 1; plus strand). Cytogenetic location: 11p11.2.
Variant type: single nucleotide variant.
Coding change: c.5585C>T on transcript NM_002334.4 (MANE Select); coding-DNA position 5585, C replaced by T.
Protein change: p.Thr1862Met; replaces threonine 1862 with methionine.
Molecular consequence: missense variant.
Genome position (GRCh38, 1-based): chr11:46,859,116, G>A on the plus strand (C>T on the coding strand, the complement: LRP4 is on the minus strand). VCF-style: chr11-46859116-G-A. GRCh37 (hg19) VCF-style: chr11-46880667-G-A.
Other names: c.5585C>T (NM_002334.3); short protein forms T1862M.
Identifiers: ClinVar variation 1501503 (VCV001501503.7), dbSNP rs368840169, ClinGen allele CA5968983.

ClinVar aggregate classification (germline): Uncertain significance. Review status: criteria provided, multiple submitters, no conflicts (2 of 4 stars). 3 submissions from 3 submitters: Uncertain significance (3). Last evaluated 2025-08-14.

Conditions:
Inborn genetic diseases. Identifiers: MedGen C0950123, MeSH D030342.
Cenani-Lenz syndactyly syndrome. Also called: SYNDACTYLY, TYPE VII; CENANI SYNDACTYLISM. Identifiers: Orphanet 3258, MedGen C1859309, MONDO:0008931, OMIM 212780.
Congenital myasthenic syndrome 17. Identifiers: Orphanet 590, MedGen C4225377, MONDO:0014578, OMIM 616304.
Sclerosteosis 2 (SOST2). Identifiers: Orphanet 3152, MedGen C3280402, MONDO:0013679, OMIM 614305.

Allele frequency attached by ClinVar (database versions not stated): gnomAD 0.00001; ExAC 0.00002; gnomAD exomes 0.00003; TOPMed 0.00003; ESP Exome Variant Server 0.00008.

Submissions (3):

Ambry Genetics
Classification: Uncertain significance for Inborn genetic diseases. Last evaluated: 2025-08-14. Review status: criteria provided, single submitter. Criteria: Ambry Variant Classification Scheme 2023. Collection method: clinical testing. Allele origin: germline.

Labcorp Genetics (formerly Invitae), Labcorp
Classification: Uncertain significance for Cenani-Lenz syndactyly syndrome; Sclerosteosis 2; Congenital myasthenic syndrome 17. Last evaluated: 2022-05-08. Review status: criteria provided, single submitter. Criteria: Invitae Variant Classification Sherloc (09022015). Collection method: clinical testing. Allele origin: germline.
Comment: This sequence change replaces threonine, which is neutral and polar, with methionine, which is neutral and non-polar, at codon 1862 of the LRP4 protein (p.Thr1862Met). This variant is present in population databases (rs368840169, gnomAD 0.01%). This variant has not been reported in the literature in individuals affected with LRP4-related conditions. Algorithms developed to predict the effect of missense changes on protein structure and function are either unavailable or do not agree on the potential impact of this missense change (SIFT: "Deleterious"; PolyPhen-2: "Benign"; Align-GVGD: "Class C0"). In summary, the available evidence is currently insufficient to determine the role of this variant in disease. Therefore, it has been classified as a Variant of Uncertain Significance.

Fulgent Genetics
Classification: Uncertain significance for Cenani-Lenz syndactyly syndrome; Sclerosteosis 2; Congenital myasthenic syndrome 17. Last evaluated: 2021-12-17. Review status: criteria provided, single submitter. Criteria: ACMG Guidelines, 2015. Collection method: clinical testing. Allele origin: unknown.